The following is an entry in ClinVar:

GRCh37/hg19 16p13.11(chr16:14900182-16529801)x3

Genes: BMERB1 (bMERB domain containing 1; plus strand), ABCC1 (ATP binding cassette subfamily C member 1 (ABCC1 blood group); plus strand), ABCC6 (ATP binding cassette subfamily C member 6; minus strand), CEP20 (centrosomal protein 20; minus strand), MARF1 (meiosis regulator and mRNA stability factor 1; minus strand) and 10 more. Cytogenetic location: 16p13.11.
Variant type: copy number gain.
Change: copy number 3 (three copies instead of two) of chr16:14,900,182-16,529,801 (1.63 Mb, GRCh37 coordinates, 1-based), cytogenetic band 16p13.11.
Identifiers: ClinVar variation 815800 (VCV000815800.4).

ClinVar aggregate classification (germline): Likely pathogenic (1 of 4 stars; one submission).

Submission:

Quest Diagnostics Nichols Institute San Juan Capistrano
Classification: Likely pathogenic. Last evaluated: 2022-08-02. Review status: criteria provided, single submitter. Criteria: ACMG/ClinGen CNV Guidelines, 2019. Collection method: clinical testing. Allele origin: unknown.
Comment: This copy number gain of 16p13.11 involves multiple protein-coding genes and confers susceptibility to a range of neurodevelopmental disorders and increased risk for cardiovascular disease (Allach El Khattabi et al., J Med Genet. 2018 Oct 4. Pii: jmedgenet-2018-105389. PMID: 30287593). Similar duplications are repeatedly observed in uncharacterized controls and in unaffected relatives (Ullmann R et al., Hum Mutat. 2007 Jul;28(7):674-82.PMID: 17480035; Hannes FD et al., J Med Genet. 2009 Apr;46(4):223-32. PMID: 18550696). However, the duplication is enriched in patients versus controls in multiple case-control studies (Coe et al., Nat Genet. 2014 Oct;46(10):1063-71., PMID: 25217958; Girirajan et al., N Engl J Med. 2012 Oct 4;367(14):1321-31., PMID: 22970919), with some exceptions (Kaminsky et al., Genet Med. 2011 Sep;13(9):777-84., PMID: 21844811). Thus, the clinical significance of this copy number variant (CNV) is likely pathogenic, with variable expressivity and incomplete penetrance.